The following is an entry in ClinVar:

ClinVar aggregate classification (germline): Uncertain significance. Review status: criteria provided, multiple submitters, no conflicts (2 of 4 stars). 2 submissions from 2 submitters: Uncertain significance (2). Last evaluated 2025-10-30.

Conditions:
Inborn genetic diseases. Identifiers: MedGen C0950123, MeSH D030342.

Allele frequency attached by ClinVar (database versions not stated): ExAC 0.00001; gnomAD exomes 0.00001; TOPMed 0.00001.
gnomAD v4.1: 11 of 1,613,884 alleles (0.00068%); highest among the groups gnomAD compares: Non-Finnish European, 0.00093%; no homozygotes.

Submissions (2):

Ambry Genetics
Classification: Uncertain significance for Inborn genetic diseases. Last evaluated: 2025-10-30. Review status: criteria provided, single submitter. Criteria: Ambry Variant Classification Scheme 2023. Collection method: clinical testing. Allele origin: germline.

Labcorp Genetics (formerly Invitae), Labcorp
Classification: Uncertain significance. Last evaluated: 2021-08-17. Review status: criteria provided, single submitter. Criteria: Invitae Variant Classification Sherloc (09022015). Collection method: clinical testing. Allele origin: germline.
Comment: In summary, the available evidence is currently insufficient to determine the role of this variant in disease. Therefore, it has been classified as a Variant of Uncertain Significance. Algorithms developed to predict the effect of missense changes on protein structure and function (SIFT, PolyPhen-2, Align-GVGD) all suggest that this variant is likely to be disruptive, but these predictions have not been confirmed by published functional studies and their clinical significance is uncertain. This variant has not been reported in the literature in individuals with DNASE1L3-related conditions. This variant is present in population databases (rs764180604, ExAC 0.001%). This sequence change replaces serine with threonine at codon 272 of the DNASE1L3 protein (p.Ser272Thr). The serine residue is highly conserved and there is a small physicochemical difference between serine and threonine.

NM_004944.4(DNASE1L3):c.815G>C (p.Ser272Thr)

Gene: DNASE1L3 (deoxyribonuclease 1L3; minus strand). Cytogenetic location: 3p14.3.
Variant type: single nucleotide variant.
Coding change: c.815G>C on transcript NM_004944.4 (MANE Select); coding-DNA position 815, G replaced by C.
Protein change: p.Ser272Thr; replaces serine 272 with threonine.
Molecular consequence: missense variant.
Genome position (GRCh38, 1-based): chr3:58,192,790, C>G on the plus strand (G>C on the coding strand, the complement: DNASE1L3 is on the minus strand). VCF-style: chr3-58192790-C-G. GRCh37 (hg19) VCF-style: chr3-58178517-C-G.
Other names: c.725G>C, p.Ser242Thr (NM_001256560.2); c.815G>C (NM_004944.2); short protein forms S272T, S242T.
Identifiers: ClinVar variation 1358539 (VCV001358539.9), dbSNP rs764180604, ClinGen allele CA2469820.